The following is an entry in ClinVar:

ClinVar aggregate classification (germline): Uncertain significance. Review status: criteria provided, multiple submitters, no conflicts (2 of 4 stars). 2 submissions from 2 submitters: Uncertain significance (2). Last evaluated 2023-03-14.

Allele frequency attached by ClinVar (database versions not stated): TOPMed below 0.00001; gnomAD 0.00001; gnomAD exomes 0.00001; ExAC 0.00002; ESP Exome Variant Server 0.00008.
gnomAD v4.1: 10 of 1,613,946 alleles (0.00062%); highest among the groups gnomAD compares: Non-Finnish European, 0.00085%; no homozygotes.

Submissions (2):

Labcorp Genetics (formerly Invitae), Labcorp
Classification: Uncertain significance. Last evaluated: 2023-03-14. Review status: criteria provided, single submitter. Criteria: Invitae Variant Classification Sherloc (09022015). Collection method: clinical testing. Allele origin: germline.
Comment: This variant has not been reported in the literature in individuals affected with OPN1SW-related conditions. This variant is present in population databases (rs371754125, gnomAD 0.003%). This sequence change replaces alanine, which is neutral and non-polar, with proline, which is neutral and non-polar, at codon 312 of the OPN1SW protein (p.Ala312Pro). ClinVar contains an entry for this variant (Variation ID: 2350167). In summary, the available evidence is currently insufficient to determine the role of this variant in disease. Therefore, it has been classified as a Variant of Uncertain Significance. An algorithm developed to predict the effect of missense changes on protein structure and function (PolyPhen-2) suggests that this variant is likely to be disruptive.

Ambry Genetics
Classification: Uncertain significance. Last evaluated: 2021-12-16. Review status: criteria provided, single submitter. Criteria: Ambry Variant Classification Scheme 2023. Collection method: clinical testing. Allele origin: germline.

NM_001385125.1(OPN1SW):c.925G>C (p.Ala309Pro)

Genes: CALU (calumenin; plus strand), OPN1SW (opsin 1, short wave sensitive; minus strand). Cytogenetic location: 7q32.1.
Variant type: single nucleotide variant.
Coding change: c.925G>C on transcript NM_001385125.1 (MANE Select); coding-DNA position 925, G replaced by C.
Protein change: p.Ala309Pro; replaces alanine 309 with proline.
Molecular consequence: missense variant. On other transcripts: 3 prime UTR variant (5), non-coding transcript variant (1).
Genome position (GRCh38, 1-based): chr7:128,772,653, C>G on the plus strand (G>C on the coding strand, the complement: OPN1SW is on the minus strand). VCF-style: chr7-128772653-C-G. GRCh37 (hg19) VCF-style: chr7-128412707-C-G.
Other names: NM_001708.2:c.934G>C; c.*3486C>G (NM_001130674.3, NM_001199671.2, NM_001199672.2 and 1 more transcripts); c.*3559C>G (NM_001199673.2); short protein forms A309P.
Identifiers: ClinVar variation 2350167 (VCV002350167.5), dbSNP rs371754125, ClinGen allele CA4472780.